The following is an entry in ClinVar:

NM_003738.5(PTCH2):c.1708A>G (p.Ser570Gly)

Gene: PTCH2 (patched 2; minus strand). Cytogenetic location: 1p34.1.
Variant type: single nucleotide variant.
Coding change: c.1708A>G on transcript NM_003738.5 (MANE Select); coding-DNA position 1708, A replaced by G.
Protein change: p.Ser570Gly; replaces serine 570 with glycine.
Molecular consequence: missense variant.
Genome position (GRCh38, 1-based): chr1:44,828,297, T>C on the plus strand (A>G on the coding strand, the complement: PTCH2 is on the minus strand). VCF-style: chr1-44828297-T-C. GRCh37 (hg19) VCF-style: chr1-45293969-T-C.
Other names: c.1708A>G, p.Ser570Gly (NM_001166292.2); short protein forms S570G.
Identifiers: ClinVar variation 4754668 (VCV004754668.1).

ClinVar aggregate classification (germline): Uncertain significance (1 of 4 stars; one submission).

Conditions:
Gorlin syndrome. Also called: Nevoid Basal Cell Carcinoma Syndrome; Basal cell nevus syndrome. Identifiers: Orphanet 377, MedGen C0004779, MONDO:0007187.

Submission:

Labcorp Genetics (formerly Invitae), Labcorp
Classification: Uncertain significance for Gorlin syndrome. Last evaluated: 2025-09-30. Review status: criteria provided, single submitter. Criteria: Invitae Variant Classification Sherloc (09022015). Collection method: clinical testing. Allele origin: germline.
Comment: This sequence change replaces serine, which is neutral and polar, with glycine, which is neutral and non-polar, at codon 570 of the PTCH2 protein (p.Ser570Gly). This variant is not present in population databases (gnomAD no frequency). This variant has not been reported in the literature in individuals affected with PTCH2-related conditions. An algorithm developed to predict the effect of missense changes on protein structure and function (PolyPhen-2) suggests that this variant is likely to be tolerated. Algorithms developed to predict the effect of sequence changes on RNA splicing suggest that this variant may disrupt the consensus splice site. In summary, the available evidence is currently insufficient to determine the role of this variant in disease. Therefore, it has been classified as a Variant of Uncertain Significance.